The following is an entry in ClinVar:

NM_004700.4(KCNQ4):c.1201C>T (p.Arg401Trp)

Gene: KCNQ4 (potassium voltage-gated channel subfamily Q member 4; plus strand). Cytogenetic location: 1p34.2.
Variant type: single nucleotide variant.
Coding change: c.1201C>T on transcript NM_004700.4 (MANE Select); coding-DNA position 1201, C replaced by T.
Protein change: p.Arg401Trp; replaces arginine 401 with tryptophan.
Molecular consequence: missense variant. On other transcripts: intron variant (1).
Genome position (GRCh38, 1-based): chr1:40,824,167, C>T. VCF-style: chr1-40824167-C-T. GRCh37 (hg19) VCF-style: chr1-41289839-C-T.
Other names: c.1130+1765C>T (NM_172163.3); short protein forms R401W.
Identifiers: ClinVar variation 228767 (VCV000228767.4), dbSNP rs754165873, ClinGen allele CA794799.
Genomic context (GRCh38, chr1:40,824,167, plus strand): 5'-CTCTTGTTTGAGCACGTGCAACGGGCCCGCAATGGGGGCCTACGGCCCCTGGAGGTGCGG[C>T]GGGCGCCGGTACCCGACGGAGCACCCTCCCGTTACCCGCCCGTTGCCACCTGCCACCGGC-3'
Protein context (NP_004691.2, residues 391-411): NGGLRPLEVR[Arg401Trp]APVPDGAPSR

ClinVar aggregate classification (germline): Uncertain significance (1 of 4 stars; one submission).

Allele frequency attached by ClinVar (database versions not stated): ExAC below 0.00001; gnomAD exomes 0.00001 and 0.00004; gnomAD 0.00003; TOPMed 0.00003.
gnomAD v4.1: 18 of 1,555,630 alleles (0.0012%); highest among the groups gnomAD compares: East Asian, 0.0049%; no homozygotes.

Submission:

Laboratory for Molecular Medicine, Mass General Brigham Personalized Medicine
Classification: Uncertain significance. Last evaluated: 2015-03-05. Review status: criteria provided, single submitter. Criteria: LMM Criteria. Collection method: clinical testing. Allele origin: germline. Observed: 1 variant allele.
Comment: The p.Arg401Trp variant in KCNQ4 has not been previously reported in individuals with hearing loss. Data from large population studies is insufficient to asses s the frequency of this variant. Computational prediction tools and conservation analyses do not provide strong support for or against an impact to the protein. In summary, the clinical significance of the p.Arg401Trp variant is uncertain.